The following is an entry in ClinVar:

ClinVar aggregate classification (germline): Uncertain significance (1 of 4 stars; one submission).

Conditions:
Cardiovascular phenotype. Identifiers: MedGen CN230736.

gnomAD v4.1: 1 of 1,613,826 alleles (0.000062%); highest among the groups gnomAD compares: East Asian, 0.0022%; no homozygotes.

Submission:

Ambry Genetics
Classification: Uncertain significance for Cardiovascular phenotype. Last evaluated: 2025-11-18. Review status: criteria provided, single submitter. Criteria: Ambry Variant Classification Scheme 2023. Collection method: clinical testing. Allele origin: germline.
Comment: The p.I664V variant (also known as c.1990A>G), located in coding exon 12 of the CBL gene, results from an A to G substitution at nucleotide position 1990. The isoleucine at codon 664 is replaced by valine, an amino acid with highly similar properties. This amino acid position is conserved. In addition, this alteration is predicted to be tolerated by in silico analysis. Based on the available evidence, the clinical significance of this variant remains unclear.

NM_005188.4(CBL):c.1990A>G (p.Ile664Val)

Gene: CBL (Cbl proto-oncogene; plus strand). Cytogenetic location: 11q23.3.
Variant type: single nucleotide variant.
Coding change: c.1990A>G on transcript NM_005188.4 (MANE Select); coding-DNA position 1990, A replaced by G.
Protein change: p.Ile664Val; replaces isoleucine 664 with valine.
Molecular consequence: missense variant.
Genome position (GRCh38, 1-based): chr11:119,287,900, A>G. VCF-style: chr11-119287900-A-G. GRCh37 (hg19) VCF-style: chr11-119158610-A-G.
Other names: short protein forms I664V.
Identifiers: ClinVar variation 4613881 (VCV004613881.1).